The following is an entry in ClinVar:

ClinVar aggregate classification (germline): Pathogenic (1 of 4 stars; one submission).

Conditions:
Inborn genetic diseases. Identifiers: MedGen C0950123, MeSH D030342.

Submission:

Ambry Genetics
Classification: Pathogenic for Inborn genetic diseases. Last evaluated: 2024-08-15. Review status: criteria provided, single submitter. Criteria: Ambry Variant Classification Scheme 2023. Collection method: clinical testing. Allele origin: germline.
Comment: The c.6502dupC (p.Q2168Pfs*5) alteration, located in exon 29 (coding exon 29) of the ANKRD17 gene, consists of a duplication of C at position 6502, causing a translational frameshift with a predicted alternate stop codon after 5 amino acids. This alteration is expected to result in loss of function by premature protein truncation or nonsense-mediated mRNA decay. This variant was not reported in population-based cohorts in the Genome Aggregation Database (gnomAD). Based on the available evidence, this alteration is classified as pathogenic.

NM_032217.5(ANKRD17):c.6502dup (p.Gln2168fs)

Gene: ANKRD17 (ankyrin repeat domain 17; minus strand). Cytogenetic location: 4q13.3.
Variant type: Duplication.
Coding change: c.6502dup on transcript NM_032217.5 (MANE Select); coding-DNA position 6502, one base duplicated (C; older notation c.6502dupC).
Protein change: p.Gln2168fs; shifts the reading frame from glutamine 2168.
Molecular consequence: frameshift variant.
Genome position (GRCh38, 1-based): chr4:73,091,126, G duplicated on the plus strand (C on the coding strand, the reverse complement: ANKRD17 is on the minus strand); the first of 5 consecutive G bases (chr4:73,091,126-73,091,130); duplicating any one gives the same sequence. VCF-style (leftmost placement, unchanged base first): chr4-73091125-T-TG. GRCh37 (hg19) VCF-style: chr4-73956842-T-TG.
Other names: c.6163dup, p.Gln2055fs (NM_001286771.3); c.6499dup, p.Gln2167fs (NM_015574.2); c.5749dup, p.Gln1917fs (NM_198889.3); short protein forms Q1917fs, Q2167fs, Q2055fs, Q2168fs.
Identifiers: ClinVar variation 3393940 (VCV003393940.1).